The following is an entry in ClinVar:

NM_001127208.3(TET2):c.1471C>A (p.Gln491Lys)

Genes: TET2 (tet methylcytosine dioxygenase 2; plus strand), TET2-AS1 (TET2 antisense RNA 1; minus strand). Cytogenetic location: 4q24.
Variant type: single nucleotide variant.
Coding change: c.1471C>A on transcript NM_001127208.3 (MANE Select); coding-DNA position 1471, C replaced by A.
Protein change: p.Gln491Lys; replaces glutamine 491 with lysine.
Molecular consequence: missense variant.
Genome position (GRCh38, 1-based): chr4:105,235,413, C>A. VCF-style: chr4-105235413-C-A. GRCh37 (hg19) VCF-style: chr4-106156570-C-A.
Other names: c.1471C>A, p.Gln491Lys (NM_017628.4); short protein forms Q491K.
Identifiers: ClinVar variation 4183029 (VCV004183029.1).

ClinVar aggregate classification (germline): Uncertain significance (1 of 4 stars; one submission).

Submission:

Ambry Genetics
Classification: Uncertain significance. Last evaluated: 2025-08-24. Review status: criteria provided, single submitter. Criteria: Ambry Variant Classification Scheme 2023. Collection method: clinical testing. Allele origin: germline.
Comment: The p.Q491K variant (also known as c.1471C>A), located in coding exon 1 of the TET2 gene, results from a C to A substitution at nucleotide position 1471. The glutamine at codon 491 is replaced by lysine, an amino acid with similar properties. This amino acid position is conserved. In addition, this alteration is predicted to be tolerated by in silico analysis. Based on the available evidence, the clinical significance of this variant remains unclear.